The following is an entry in ClinVar:

NM_000548.5(TSC2):c.4570-2A>G

Gene: TSC2 (TSC complex subunit 2; plus strand). Cytogenetic location: 16p13.3.
Variant type: single nucleotide variant.
Coding change: c.4570-2A>G on transcript NM_000548.5 (MANE Select); the canonical splice acceptor site of the intron before coding-DNA position 4570, A replaced by G.
Molecular consequence: splice acceptor variant.
Genome position (GRCh38, 1-based): chr16:2,085,228, A>G. VCF-style: chr16-2085228-A-G. GRCh37 (hg19) VCF-style: chr16-2135229-A-G.
Other names: c.4438-2A>G (NM_001370404.1); c.4369-2A>G (NM_001077183.3); c.3028-2A>G (NM_001406694.1, NM_001406693.1, NM_001406692.1); c.3025-2A>G (NM_001406695.1, NM_001406696.1, NM_001406697.1); c.4360-2A>G (NM_001406671.1); c.4357-2A>G (NM_001406673.1); c.3910-2A>G (NM_001406681.1); c.4390-2A>G (NM_001406670.1); and 26 more.
Identifiers: ClinVar variation 1463353 (VCV001463353.9), dbSNP rs2151549641, ClinGen allele CA394304238.

ClinVar aggregate classification (germline): Uncertain significance. Review status: criteria provided, multiple submitters, no conflicts (2 of 4 stars). 3 submissions from 3 submitters: Uncertain significance (3). Last evaluated 2024-08-01.

Conditions:
Isolated focal cortical dysplasia type II (FCORD2). Also called: Focal cortical dysplasia type II; CORTICAL DYSPLASIA OF TAYLOR. Identifiers: Orphanet 268994, MedGen C1846385, MONDO:0011818, OMIM 607341, HP:0032051.
Tuberous sclerosis 2 (TSC2). Identifiers: Orphanet 805, MedGen C1860707, MONDO:0013199, OMIM 613254.
Hereditary cancer-predisposing syndrome. Also called: Neoplastic Syndromes, Hereditary; Hereditary Cancer Syndrome; Tumor predisposition; Hereditary neoplastic syndrome. Identifiers: Orphanet 140162, MedGen C0027672, MeSH D009386, MONDO:0015356.

Submissions (3):

Labcorp Genetics (formerly Invitae), Labcorp
Classification: Uncertain significance for Tuberous sclerosis 2. Last evaluated: 2024-08-01. Review status: criteria provided, single submitter. Criteria: Invitae Variant Classification Sherloc (09022015). Collection method: clinical testing. Allele origin: germline.
Comment: This sequence change affects an acceptor splice site in intron 35 of the TSC2 gene. RNA analysis indicates that disruption of this splice site induces altered splicing and likely results in the loss of 2 amino acid residue(s), but is expected to preserve the integrity of the reading-frame. This variant is not present in population databases (gnomAD no frequency). This variant has not been reported in the literature in individuals affected with TSC2-related conditions. ClinVar contains an entry for this variant (Variation ID: 1463353). Variants that disrupt the consensus splice site are a relatively common cause of aberrant splicing (PMID: 17576681, 9536098). Studies have shown that disruption of this splice site results in the activation of a cryptic splice site in intron 35 (Invitae). In summary, the available evidence is currently insufficient to determine the role of this variant in disease. Therefore, it has been classified as a Variant of Uncertain Significance.

Baylor Genetics
Classification: Uncertain significance for Isolated focal cortical dysplasia type II. Last evaluated: 2023-11-20. Review status: criteria provided, single submitter. Criteria: ACMG Guidelines, 2015. Collection method: clinical testing. Allele origin: unknown.

Ambry Genetics
Classification: Uncertain significance for Hereditary cancer-predisposing syndrome. Last evaluated: 2022-02-17. Review status: criteria provided, single submitter. Criteria: Ambry Variant Classification Scheme 2023. Collection method: clinical testing. Allele origin: germline.
Comment: The c.4570-2A>G intronic variant results from an A to G substitution two nucleotides upstream from coding exon 35 in the TSC2 gene. This nucleotide position is highly conserved in available vertebrate species. In silico splice site analysis predicts that this alteration will weaken the native splice acceptor site and will result in the creation or strengthening of a novel splice acceptor site. Since supporting evidence is limited at this time, the clinical significance of this alteration remains unclear.

Literature cited by the submitters: PubMed 17576681 (cited by Labcorp Genetics (formerly Invitae), Labcorp); PubMed 9536098 (cited by Labcorp Genetics (formerly Invitae), Labcorp).